The following is an entry in ClinVar:

ClinVar aggregate classification (germline): Likely pathogenic (1 of 4 stars; one submission).

Conditions:
Progressive sclerosing poliodystrophy (MTDPS4A). Also called: ALPERS PROGRESSIVE INFANTILE POLIODYSTROPHY; NEURONAL DEGENERATION OF CHILDHOOD WITH LIVER DISEASE, PROGRESSIVE; Alpers Syndrome; ALPERS DIFFUSE DEGENERATION OF CEREBRAL GRAY MATTER WITH HEPATIC CIRRHOSIS; Alpers-Huttenlocher Syndrome; Mitochondrial DNA depletion syndrome 4A (Alpers type). Identifiers: Orphanet 726, MedGen C0205710, MONDO:0008758, OMIM 203700.

Allele frequency attached by ClinVar (database versions not stated): TOPMed below 0.00001.
gnomAD v4.1: 1 of 1,613,506 alleles (0.000062%); highest among the groups gnomAD compares: African/African-American, 0.0013%; no homozygotes.

Submission:

Labcorp Genetics (formerly Invitae), Labcorp
Classification: Likely pathogenic for Progressive sclerosing poliodystrophy. Last evaluated: 2023-05-04. Review status: criteria provided, single submitter. Criteria: Invitae Variant Classification Sherloc (09022015). Collection method: clinical testing. Allele origin: germline.
Comment: In summary, the currently available evidence indicates that the variant is pathogenic, but additional data are needed to prove that conclusively. Therefore, this variant has been classified as Likely Pathogenic. Experimental studies have shown that this missense change affects POLG function (PMID: 20883824). Advanced modeling of protein sequence and biophysical properties (such as structural, functional, and spatial information, amino acid conservation, physicochemical variation, residue mobility, and thermodynamic stability) performed at Invitae indicates that this missense variant is expected to disrupt POLG protein function. This missense change has been observed in individual(s) with Alpers–Huttenlocher syndrome (PMID: 19125351, 20883824). In at least one individual the data is consistent with being in trans (on the opposite chromosome) from a pathogenic variant. This variant is not present in population databases (gnomAD no frequency). This sequence change replaces aspartic acid, which is acidic and polar, with asparagine, which is neutral and polar, at codon 930 of the POLG protein (p.Asp930Asn).

Literature cited by the submitters: PubMed 20883824; PubMed 19125351.

NM_002693.3(POLG):c.2788G>A (p.Asp930Asn)

Gene: POLG (DNA polymerase gamma, catalytic subunit; minus strand). Cytogenetic location: 15q26.1.
Variant type: single nucleotide variant.
Coding change: c.2788G>A on transcript NM_002693.3 (MANE Select); coding-DNA position 2788, G replaced by A.
Protein change: p.Asp930Asn; replaces aspartic acid 930 with asparagine.
Molecular consequence: missense variant.
Genome position (GRCh38, 1-based): chr15:89,320,959, C>T on the plus strand (G>A on the coding strand, the complement: POLG is on the minus strand). VCF-style: chr15-89320959-C-T. GRCh37 (hg19) VCF-style: chr15-89864190-C-T.
Other names: c.2788G>A, p.Asp930Asn (NM_001126131.2); short protein forms D930N.
Identifiers: ClinVar variation 2736249 (VCV002736249.3), dbSNP rs2055386406, ClinGen allele CA393753119.
Genomic context (GRCh38, chr15:89,320,959, plus strand): 5'-TGAAGATTTTGGCATGCTCACGGCTGATGCCCACAGTAGTGGCTGTCTTACTGTGTAGAT[C>T]AGTGCCCCTGCTCTTCCTGCCCTGCAGTGTCATCCACCCAAAGGCTGTGCAGCCTGGAAG-3'
Protein context (NP_002684.1, residues 920-940): TLQGRKSRGT[Asp930Asn]LHSKTATTVG